The following is an entry in ClinVar:

ClinVar aggregate classification (germline): Conflicting classifications of pathogenicity. Review status: criteria provided, conflicting classifications (1 of 4 stars). 5 submissions from 5 submitters: Pathogenic (1); Likely pathogenic (1); Uncertain significance (3). Last evaluated 2024-02-27.

Conditions:
Mucopolysaccharidosis, MPS-IV-A (MPS4A). Also called: MORQUIO SYNDROME A; Mucopolysaccharidosis Type IVA; Morquio syndrome A, mild; GALACTOSAMINE-6-SULFATASE DEFICIENCY; GALNS DEFICIENCY; MORQUIO A DISEASE. Identifiers: Orphanet 309297, Orphanet 582, MedGen C0086651, MONDO:0009659, OMIM 253000.

Allele frequency attached by ClinVar (database versions not stated): ExAC 0.00001; gnomAD exomes 0.00001.
gnomAD v4.1: 14 of 1,613,752 alleles (0.00087%); highest among the groups gnomAD compares: Non-Finnish European, 0.0011%; no homozygotes.

Submissions (5):

Fulgent Genetics
Classification: Likely pathogenic for Mucopolysaccharidosis, MPS-IV-A. Last evaluated: 2024-02-27. Review status: criteria provided, single submitter. Criteria: ACMG Guidelines, 2015. Collection method: clinical testing. Allele origin: germline.

Labcorp Genetics (formerly Invitae), Labcorp
Classification: Pathogenic for Mucopolysaccharidosis, MPS-IV-A. Last evaluated: 2022-04-22. Review status: criteria provided, single submitter. Criteria: Invitae Variant Classification Sherloc (09022015). Collection method: clinical testing. Allele origin: germline.
Comment: For these reasons, this variant has been classified as Pathogenic. This variant disrupts the p.Gly304 amino acid residue in GALNS. Other variant(s) that disrupt this residue have been observed in individuals with GALNS-related conditions (PMID: 24120057), which suggests that this may be a clinically significant amino acid residue. Advanced modeling of protein sequence and biophysical properties (such as structural, functional, and spatial information, amino acid conservation, physicochemical variation, residue mobility, and thermodynamic stability) performed at Invitae indicates that this missense variant is expected to disrupt GALNS protein function. ClinVar contains an entry for this variant (Variation ID: 373413). This missense change has been observed in individual(s) with clinical features of mucopolysaccharidosis IVA (PMID: 34387910; Invitae). This variant is present in population databases (rs758439379, gnomAD 0.002%). This sequence change replaces glycine, which is neutral and non-polar, with valine, which is neutral and non-polar, at codon 304 of the GALNS protein (p.Gly304Val).

Genome-Nilou Lab
Classification: Uncertain significance for Mucopolysaccharidosis, MPS-IV-A. Last evaluated: 2021-11-07. Review status: criteria provided, single submitter. Criteria: ACMG Guidelines, 2015. Collection method: clinical testing. Allele origin: germline. Affected: no.

Laboratory of Diagnosis and Therapy of Lysosomal Disorders, University of Padova
Classification: Uncertain significance for Mucopolysaccharidosis, MPS-IV-A. Last evaluated: 2021-02-01. Review status: criteria provided, single submitter. Criteria: ACMG Guidelines, 2015. Collection method: research. Allele origin: germline. Affected: yes.
Comment: The prevalence of the variant in affected individuals is significantly increased compared with the prevalence in controls (PS4_supporting); very low frequency in gnomAD v2.1.1 (PM2_moderate); multiple lines of computational evidence support a deleterious effect on the gene (PP3_supporting)

GeneDx
Classification: Uncertain significance. Last evaluated: 2016-11-14. Review status: criteria provided, single submitter. Criteria: GeneDx Variant Classification (06012015). Collection method: clinical testing. Allele origin: germline. Affected: yes.
Comment: The G304V variant has not been published as a pathogenic variant, nor has it been reported as a benign variant to our knowledge. the G304V variant is a conservative amino acid substitution, which is not likely to impact secondary protein structure as these residues share similar properties. This substitution occurs at a position that is conserved across species, and in silico analysis predicts this variant is probably damaging to the protein structure/function. Therefore, based on the currently available information, it is unclear whether this variant is a pathogenic variant or a rare benign variant.

Literature cited by the submitters: PubMed 24120057 (cited by Labcorp Genetics (formerly Invitae), Labcorp); PubMed 34387910 (cited by Labcorp Genetics (formerly Invitae), Labcorp and Laboratory of Diagnosis and Therapy of Lysosomal Disorders, University of Padova).

NM_000512.5(GALNS):c.911G>T (p.Gly304Val)

Gene: GALNS (galactosamine (N-acetyl)-6-sulfatase; minus strand). Cytogenetic location: 16q24.3.
Variant type: single nucleotide variant.
Coding change: c.911G>T on transcript NM_000512.5 (MANE Select); coding-DNA position 911, G replaced by T.
Protein change: p.Gly304Val; replaces glycine 304 with valine.
Molecular consequence: missense variant.
Genome position (GRCh38, 1-based): chr16:88,832,089, C>A on the plus strand (G>T on the coding strand, the complement: GALNS is on the minus strand). VCF-style: chr16-88832089-C-A. GRCh37 (hg19) VCF-style: chr16-88898497-C-A.
Other names: c.356G>T, p.Gly119Val (NM_001323543.2); c.929G>T, p.Gly310Val (NM_001323544.2); short protein forms G304V, G119V, G310V.
Identifiers: ClinVar variation 373413 (VCV000373413.13), dbSNP rs758439379, ClinGen allele CA8234906.